The following is an entry in ClinVar:

NM_006514.4(SCN10A):c.5454G>T (p.Leu1818Phe)

Gene: SCN10A (sodium voltage-gated channel alpha subunit 10; minus strand). Cytogenetic location: 3p22.2.
Variant type: single nucleotide variant.
Coding change: c.5454G>T on transcript NM_006514.4 (MANE Select); coding-DNA position 5454, G replaced by T.
Protein change: p.Leu1818Phe; replaces leucine 1818 with phenylalanine.
Molecular consequence: missense variant.
Genome position (GRCh38, 1-based): chr3:38,697,766, C>A on the plus strand (G>T on the coding strand, the complement: SCN10A is on the minus strand). VCF-style: chr3-38697766-C-A. GRCh37 (hg19) VCF-style: chr3-38739257-C-A.
Other names: c.5451G>T, p.Leu1817Phe (NM_001293306.2); c.5160G>T, p.Leu1720Phe (NM_001293307.2); short protein forms L1720F, L1817F, L1818F.
Identifiers: ClinVar variation 3438100 (VCV003438100.1).
Genomic context (GRCh38, chr3:38,697,766, plus strand): 5'-GGATGATTTTGAAAGATTAGTTGCCATAAACTTCTCCTCCATATTTGCCTTCAGAGAATC[C>A]AACTCCCCGGATTCTCCTAGGACATTCTTGGTGAAAGCAAAAAGGATGTCCAAGCAGTGG-3'
Protein context (NP_006505.4, residues 1808-1828): TKNVLGESGE[Leu1818Phe]DSLKANMEEK

ClinVar aggregate classification (germline): Uncertain significance (1 of 4 stars; one submission).

Conditions:
Cardiovascular phenotype. Identifiers: MedGen CN230736.

gnomAD v4.1: 1 of 1,614,050 alleles (0.000062%); highest among the groups gnomAD compares: South Asian, 0.0011%; no homozygotes.

Submission:

Ambry Genetics
Classification: Uncertain significance for Cardiovascular phenotype. Last evaluated: 2024-08-15. Review status: criteria provided, single submitter. Criteria: Ambry Variant Classification Scheme 2023. Collection method: clinical testing. Allele origin: germline.
Comment: The p.L1818F variant (also known as c.5454G>T), located in coding exon 27 of the SCN10A gene, results from a G to T substitution at nucleotide position 5454. The leucine at codon 1818 is replaced by phenylalanine, an amino acid with highly similar properties. This amino acid position is not well conserved in available vertebrate species. In addition, the in silico prediction for this alteration is inconclusive. Based on the available evidence, the clinical significance of this variant remains unclear.